The following is an entry in ClinVar:

ClinVar aggregate classification (germline): Likely benign (1 of 4 stars; one submission).

Allele frequency attached by ClinVar (database versions not stated): 1000 Genomes Project 30x 0.00094; gnomAD 0.00215; ESP Exome Variant Server 0.00216; TOPMed 0.00216; gnomAD exomes 0.00223; ExAC 0.00250; 1000 Genomes Project 0.00080.
gnomAD v4.1: 3,664 of 1,613,924 alleles (0.23%); highest among the groups gnomAD compares: Middle Eastern, 0.59%; 13 homozygotes.

Submission:

CeGaT Center for Human Genetics Tuebingen
Classification: Likely benign. Last evaluated: 2022-12-01. Review status: criteria provided, single submitter. Criteria: CeGaT Center For Human Genetics Tuebingen Variant Classification Criteria Version 2. Collection method: clinical testing. Allele origin: germline. Affected: yes. Observed: 1 variant allele.
Comment: RPS13: BP4, BS2

NM_001017.3(RPS13):c.24-7T>C

Gene: RPS13 (ribosomal protein S13; minus strand). Cytogenetic location: 11p15.1.
Variant type: single nucleotide variant.
Coding change: c.24-7T>C on transcript NM_001017.3 (MANE Select); 7 bases into the intron before coding-DNA position 24, T replaced by C.
Molecular consequence: intron variant.
Genome position (GRCh38, 1-based): chr11:17,077,484, A>G on the plus strand (T>C on the coding strand, the complement: RPS13 is on the minus strand). VCF-style: chr11-17077484-A-G. GRCh37 (hg19) VCF-style: chr11-17099031-A-G.
Identifiers: ClinVar variation 2641639 (VCV002641639.24), dbSNP rs74416259, ClinGen allele CA5900288.